The following is an entry in ClinVar:

ClinVar aggregate classification (germline): Uncertain significance (1 of 4 stars; one submission).

Submission:

Labcorp Genetics (formerly Invitae), Labcorp
Classification: Uncertain significance. Last evaluated: 2025-01-20. Review status: criteria provided, single submitter. Criteria: Invitae Variant Classification Sherloc (09022015). Collection method: clinical testing. Allele origin: germline.
Comment: This sequence change replaces histidine, which is basic and polar, with leucine, which is neutral and non-polar, at codon 173 of the POP1 protein (p.His173Leu). This variant is present in population databases (rs762940394, gnomAD 0.006%). This variant has not been reported in the literature in individuals affected with POP1-related conditions. An algorithm developed to predict the effect of missense changes on protein structure and function (PolyPhen-2) suggests that this variant is likely to be tolerated. In summary, the available evidence is currently insufficient to determine the role of this variant in disease. Therefore, it has been classified as a Variant of Uncertain Significance.

NM_001145860.2(POP1):c.518A>T (p.His173Leu)

Gene: POP1 (POP1 ribonuclease P/MRP subunit; plus strand). Cytogenetic location: 8q22.2.
Variant type: single nucleotide variant.
Coding change: c.518A>T on transcript NM_001145860.2 (MANE Select); coding-DNA position 518, A replaced by T.
Protein change: p.His173Leu; replaces histidine 173 with leucine.
Molecular consequence: missense variant.
Genome position (GRCh38, 1-based): chr8:98,130,009, A>T. VCF-style: chr8-98130009-A-T. GRCh37 (hg19) VCF-style: chr8-99142237-A-T.
Other names: c.518A>T, p.His173Leu (NM_001145861.2, NM_015029.3); short protein forms H173L.
Identifiers: ClinVar variation 3621729 (VCV003621729.2).